The following is an entry in ClinVar:

ClinVar aggregate classification (germline): Uncertain significance (1 of 4 stars; one submission).

gnomAD v4.1: 5 of 1,129,720 alleles (0.00044%); highest among the groups gnomAD compares: East Asian, 0.0071%; no homozygotes.

Submission:

Labcorp Genetics (formerly Invitae), Labcorp
Classification: Uncertain significance. Last evaluated: 2022-11-08. Review status: criteria provided, single submitter. Criteria: Invitae Variant Classification Sherloc (09022015). Collection method: clinical testing. Allele origin: germline.
Comment: This sequence change replaces arginine, which is basic and polar, with leucine, which is neutral and non-polar, at codon 6 of the PACS2 protein (p.Arg6Leu). In summary, the available evidence is currently insufficient to determine the role of this variant in disease. Therefore, it has been classified as a Variant of Uncertain Significance. Algorithms developed to predict the effect of missense changes on protein structure and function (SIFT, PolyPhen-2, Align-GVGD) all suggest that this variant is likely to be tolerated. ClinVar contains an entry for this variant (Variation ID: 1522559). This variant has not been reported in the literature in individuals affected with PACS2-related conditions. The frequency data for this variant in the population databases is considered unreliable, as metrics indicate insufficient coverage at this position in the gnomAD database.

NM_001100913.3(PACS2):c.17G>T (p.Arg6Leu)

Genes: BRF1 (BRF1 general transcription factor IIIB subunit; minus strand), PACS2 (phosphofurin acidic cluster sorting protein 2; plus strand). Cytogenetic location: 14q32.33.
Variant type: single nucleotide variant.
Coding change: c.17G>T on transcript NM_001100913.3 (MANE Select); coding-DNA position 17, G replaced by T.
Protein change: p.Arg6Leu; replaces arginine 6 with leucine.
Molecular consequence: missense variant. On other transcripts: intron variant (4).
Genome position (GRCh38, 1-based): chr14:105,314,935, G>T. VCF-style: chr14-105314935-G-T. GRCh37 (hg19) VCF-style: chr14-105781272-G-T.
Other names: c.17G>T, p.Arg6Leu (NM_015197.4); c.-162+387C>A (NM_001440451.1, NM_001242787.2, NM_001242786.2); c.-83+13956G>T (NM_001243127.3); short protein forms R6L.
Identifiers: ClinVar variation 1522559 (VCV001522559.44), dbSNP rs1330015149, ClinGen allele CA391191415.
Genomic context (GRCh38, chr14:105,314,935, plus strand): 5'-CGGCCGCAGCCCCAGGCCGCCGAGGGAGCGGCGGGGCCGGCGCCATGGCCGAGCGAGGCC[G>T]CCTCGGCCTCCCCGGCGCGCCCGGCGCGCTCAACACGCCCGTGCCCATGAACCTGTTCGC-3'
Protein context (NP_001094383.2, residues 1-16): MAERG[Arg6Leu]LGLPGAPGAL